The following is an entry in ClinVar:

NM_001128148.3(TFRC):c.497C>T (p.Ala166Val)

Gene: TFRC (transferrin receptor; minus strand). Cytogenetic location: 3q29.
Variant type: single nucleotide variant.
Coding change: c.497C>T on transcript NM_001128148.3 (MANE Select); coding-DNA position 497, C replaced by T.
Protein change: p.Ala166Val; replaces alanine 166 with valine.
Molecular consequence: missense variant. On other transcripts: 5 prime UTR variant (1).
Genome position (GRCh38, 1-based): chr3:196,072,090, G>A on the plus strand (C>T on the coding strand, the complement: TFRC is on the minus strand). VCF-style: chr3-196072090-G-A. GRCh37 (hg19) VCF-style: chr3-195798961-G-A.
Other names: c.254C>T, p.Ala85Val (NM_001313965.2); c.-350C>T (NM_001313966.2); c.497C>T, p.Ala166Val (NM_003234.4); c.497C>T (NM_003234.2); short protein forms A85V, A166V.
Identifiers: ClinVar variation 1917250 (VCV001917250.6), dbSNP rs771569167, ClinGen allele CA2778288.
Genomic context (GRCh38, chr3:196,072,090, plus strand): 5'-TGTTGATCACGCCAGACTTTGCTGAGTTTAAATTCACGAAATTGATTTTCAACATACAAC[G>A]CAAGATTTTCATCTTTTTGAGATCCAGCCTCACGAGGGACATATGAATTTTCATTCAGCA-3'
Protein context (NP_001121620.1, residues 156-176): EAGSQKDENL[Ala166Val]LYVENQFREF

ClinVar aggregate classification (germline): Uncertain significance. Review status: criteria provided, multiple submitters, no conflicts (2 of 4 stars). 2 submissions from 2 submitters: Uncertain significance (2). Last evaluated 2024-10-06.

Conditions:
Inborn genetic diseases. Identifiers: MedGen C0950123, MeSH D030342.

Allele frequency attached by ClinVar (database versions not stated): ExAC 0.00001.
gnomAD v4.1: 7 of 1,614,046 alleles (0.00043%); highest among the groups gnomAD compares: South Asian, 0.0033%; no homozygotes.

Submissions (2):

Ambry Genetics
Classification: Uncertain significance for Inborn genetic diseases. Last evaluated: 2024-10-06. Review status: criteria provided, single submitter. Criteria: Ambry Variant Classification Scheme 2023. Collection method: clinical testing. Allele origin: germline.

Labcorp Genetics (formerly Invitae), Labcorp
Classification: Uncertain significance. Last evaluated: 2022-05-03. Review status: criteria provided, single submitter. Criteria: Invitae Variant Classification Sherloc (09022015). Collection method: clinical testing. Allele origin: germline.
Comment: In summary, the available evidence is currently insufficient to determine the role of this variant in disease. Therefore, it has been classified as a Variant of Uncertain Significance. Algorithms developed to predict the effect of missense changes on protein structure and function are either unavailable or do not agree on the potential impact of this missense change (SIFT: "Tolerated"; PolyPhen-2: "Possibly Damaging"; Align-GVGD: "Class C0"). This variant has not been reported in the literature in individuals affected with TFRC-related conditions. This variant is present in population databases (rs771569167, gnomAD 0.006%). This sequence change replaces alanine, which is neutral and non-polar, with valine, which is neutral and non-polar, at codon 166 of the TFRC protein (p.Ala166Val).